The following is an entry in ClinVar:

NM_003632.3(CNTNAP1):c.70G>C (p.Gly24Arg)

Genes: CNTNAP1 (contactin associated protein 1; plus strand), LOC125177481 (Sharpr-MPRA regulatory region 245; plus strand). Cytogenetic location: 17q21.2.
Variant type: single nucleotide variant.
Coding change: c.70G>C on transcript NM_003632.3 (MANE Select); coding-DNA position 70, G replaced by C.
Protein change: p.Gly24Arg; replaces glycine 24 with arginine.
Molecular consequence: missense variant.
Genome position (GRCh38, 1-based): chr17:42,683,823, G>C. VCF-style: chr17-42683823-G-C. GRCh37 (hg19) VCF-style: chr17-40835841-G-C.
Other names: short protein forms G24R.
Identifiers: ClinVar variation 1428021 (VCV001428021.6), dbSNP rs746594808, ClinGen allele CA8581421.

ClinVar aggregate classification (germline): Uncertain significance (1 of 4 stars; one submission).

Allele frequency attached by ClinVar (database versions not stated): gnomAD 0.00001; gnomAD exomes 0.00001; TOPMed 0.00001; ExAC 0.00002.
gnomAD v4.1: 7 of 1,611,090 alleles (0.00043%); highest among the groups gnomAD compares: South Asian, 0.0033%; no homozygotes.

Submission:

Labcorp Genetics (formerly Invitae), Labcorp
Classification: Uncertain significance. Last evaluated: 2022-11-01. Review status: criteria provided, single submitter. Criteria: Invitae Variant Classification Sherloc (09022015). Collection method: clinical testing. Allele origin: germline.
Comment: In summary, the available evidence is currently insufficient to determine the role of this variant in disease. Therefore, it has been classified as a Variant of Uncertain Significance. Algorithms developed to predict the effect of missense changes on protein structure and function are either unavailable or do not agree on the potential impact of this missense change (SIFT: "Deleterious"; PolyPhen-2: "Possibly Damaging"; Align-GVGD: "Class C0"). ClinVar contains an entry for this variant (Variation ID: 1428021). This variant has not been reported in the literature in individuals affected with CNTNAP1-related conditions. This variant is present in population databases (rs746594808, gnomAD 0.01%). This sequence change replaces glycine, which is neutral and non-polar, with arginine, which is basic and polar, at codon 24 of the CNTNAP1 protein (p.Gly24Arg).